The following is an entry in ClinVar:

NM_001458.5(FLNC):c.7604C>G (p.Ser2535Trp)

Genes: FLNC (filamin C; plus strand), FLNC-AS1 (FLNC antisense RNA 1; minus strand). Cytogenetic location: 7q32.1.
Variant type: single nucleotide variant.
Coding change: c.7604C>G on transcript NM_001458.5 (MANE Select); coding-DNA position 7604, C replaced by G.
Protein change: p.Ser2535Trp; replaces serine 2535 with tryptophan.
Molecular consequence: missense variant.
Genome position (GRCh38, 1-based): chr7:128,857,160, C>G. VCF-style: chr7-128857160-C-G. GRCh37 (hg19) VCF-style: chr7-128497214-C-G.
Other names: c.7505C>G, p.Ser2502Trp (NM_001127487.2); short protein forms S2502W, S2535W.
Identifiers: ClinVar variation 4812653 (VCV004812653.1).

ClinVar aggregate classification (germline): Uncertain significance (1 of 4 stars; one submission).

Conditions:
Hypertrophic cardiomyopathy 26. Also called: Cardiomyopathy, familial hypertrophic, 26. Identifiers: Orphanet 75249, MedGen C4310749, MONDO:0014883, OMIM 617047.
Myofibrillar myopathy 5. Also called: Filaminopathy (type); FILAMINOPATHY, AUTOSOMAL DOMINANT. Identifiers: Orphanet 171445, MedGen C1836050, MONDO:0012289, OMIM 609524.
Distal myopathy with posterior leg and anterior hand involvement. Also called: WILLIAMS DISTAL MYOPATHY. Identifiers: Orphanet 63273, MedGen C3279722, MONDO:0013550, OMIM 614065.

gnomAD v4.1: 3 of 1,614,128 alleles (0.00019%); highest among the groups gnomAD compares: East Asian, 0.0045%; no homozygotes.

Submission:

Labcorp Genetics (formerly Invitae), Labcorp
Classification: Uncertain significance for Distal myopathy with posterior leg and anterior hand involvement; Myofibrillar myopathy 5; Hypertrophic cardiomyopathy 26. Last evaluated: 2025-11-18. Review status: criteria provided, single submitter. Criteria: Invitae Variant Classification Sherloc (09022015). Collection method: clinical testing. Allele origin: germline.
Comment: This sequence change replaces serine, which is neutral and polar, with tryptophan, which is neutral and slightly polar, at codon 2535 of the FLNC protein (p.Ser2535Trp). This variant is present in population databases (rs201895675, gnomAD 0.006%). This variant has not been reported in the literature in individuals affected with FLNC-related conditions. An algorithm developed to predict the effect of missense changes on protein structure and function (PolyPhen-2) suggests that this variant is likely to be disruptive. In summary, the available evidence is currently insufficient to determine the role of this variant in disease. Therefore, it has been classified as a Variant of Uncertain Significance.